The following is an entry in ClinVar:

NM_001048174.2(MUTYH):c.492+6G>A

Gene: MUTYH (mutY DNA glycosylase; minus strand). Cytogenetic location: 1p34.1.
Variant type: single nucleotide variant.
Coding change: c.492+6G>A on transcript NM_001048174.2 (MANE Select); 6 bases into the intron after coding-DNA position 492, G replaced by A.
Molecular consequence: intron variant.
Genome position (GRCh38, 1-based): chr1:45,332,757, C>T on the plus strand (G>A on the coding strand, the complement: MUTYH is on the minus strand). VCF-style: chr1-45332757-C-T. GRCh37 (hg19) VCF-style: chr1-45798429-C-T.
Other names: c.147+6G>A (NM_001350651.2, NM_001350650.2); c.216+6G>A (NM_001293192.2, NM_001293196.2); c.492+6G>A (NM_001048171.2, NM_001048173.2, NM_001293195.2); c.537+6G>A (NM_001293190.2); c.567+6G>A (NM_012222.3); c.576+6G>A (NM_001128425.2); c.495+6G>A (NM_001048172.2); c.525+6G>A (NM_001293191.2).
Identifiers: ClinVar variation 952363 (VCV000952363.9), dbSNP rs762573043, ClinGen allele CA1139655533.

ClinVar aggregate classification (germline): Uncertain significance (1 of 4 stars; one submission).

Conditions:
Familial adenomatous polyposis 2. Also called: COLORECTAL ADENOMATOUS POLYPOSIS, AUTOSOMAL RECESSIVE; ADENOMAS, MULTIPLE COLORECTAL, AUTOSOMAL RECESSIVE; MYH-associated polyposis; FAP type 2; MUTYH-associated polyposis; MUTYH-related attenuated familial adenomatous polyposis. Identifiers: Orphanet 220460, Orphanet 247798, MedGen C3272841, MONDO:0012041, OMIM 608456.

Submission:

Labcorp Genetics (formerly Invitae), Labcorp
Classification: Uncertain significance for Familial adenomatous polyposis 2. Last evaluated: 2025-12-13. Review status: criteria provided, single submitter. Criteria: Invitae Variant Classification Sherloc (09022015). Collection method: clinical testing. Allele origin: germline.
Comment: This sequence change falls in intron 7 of the MUTYH gene. It does not directly change the encoded amino acid sequence of the MUTYH protein. It affects a nucleotide within the consensus splice site. This variant is not present in population databases (gnomAD no frequency). This variant has not been reported in the literature in individuals affected with MUTYH-related conditions. ClinVar contains an entry for this variant (Variation ID: 952363). Variants that disrupt the consensus splice site are a relatively common cause of aberrant splicing (PMID: 17576681, 9536098). Algorithms developed to predict the effect of sequence changes on RNA splicing suggest that this variant is not likely to affect RNA splicing. In summary, the available evidence is currently insufficient to determine the role of this variant in disease. Therefore, it has been classified as a Variant of Uncertain Significance.

Literature cited by the submitters: PubMed 17576681; PubMed 9536098.